The following is an entry in ClinVar:

ClinVar aggregate classification (germline): Pathogenic (1 of 4 stars; one submission).

Conditions:
Short-rib thoracic dysplasia 14 with polydactyly (SRTD14). Identifiers: Orphanet 397715, MedGen C4225286, MONDO:0014688, OMIM 616546.
Joubert syndrome 23 (JBTS23). Identifiers: Orphanet 475, MedGen C4084822, MONDO:0014664, OMIM 616490.

Allele frequency attached by ClinVar (database versions not stated): gnomAD exomes below 0.00001.
gnomAD v4.1: 4 of 1,492,396 alleles (0.00027%); highest among the groups gnomAD compares: Non-Finnish European, 0.00036%; no homozygotes.

Submission:

Labcorp Genetics (formerly Invitae), Labcorp
Classification: Pathogenic for Joubert syndrome 23; Short-rib thoracic dysplasia 14 with polydactyly. Last evaluated: 2022-10-07. Review status: criteria provided, single submitter. Criteria: Invitae Variant Classification Sherloc (09022015). Collection method: clinical testing. Allele origin: germline.
Comment: For these reasons, this variant has been classified as Pathogenic. Algorithms developed to predict the effect of sequence changes on RNA splicing suggest that this variant may disrupt the consensus splice site. This variant has not been reported in the literature in individuals affected with KIAA0586-related conditions. This variant is not present in population databases (gnomAD no frequency). This sequence change creates a premature translational stop signal (p.Gln1527*) in the KIAA0586 gene. It is expected to result in an absent or disrupted protein product. Loss-of-function variants in KIAA0586 are known to be pathogenic (PMID: 26096313, 26166481, 26386044).

Literature cited by the submitters: PubMed 26096313; PubMed 26166481; PubMed 26386044.

NM_001329943.3(KIAA0586):c.4420C>T (p.Gln1474Ter)

Gene: KIAA0586 (KIAA0586; plus strand). Cytogenetic location: 14q23.1.
Variant type: single nucleotide variant.
Coding change: c.4420C>T on transcript NM_001329943.3 (MANE Select); coding-DNA position 4420, C replaced by T.
Protein change: p.Gln1474Ter; replaces glutamine 1474 with a stop codon.
Molecular consequence: nonsense.
Genome position (GRCh38, 1-based): chr14:58,512,618, C>T. VCF-style: chr14-58512618-C-T. GRCh37 (hg19) VCF-style: chr14-58979336-C-T.
Other names: c.4579C>T, p.Gln1527Ter (NM_001244189.2); c.4375C>T, p.Gln1459Ter (NM_001244190.2); c.4165C>T, p.Gln1389Ter (NM_001244191.2, NM_001329945.2, NM_001364700.1 and 1 more transcripts); c.4288C>T, p.Gln1430Ter (NM_001244192.2, NM_001329947.2); c.4000C>T, p.Gln1334Ter (NM_001244193.2); c.4420C>T, p.Gln1474Ter (NM_001329944.2, NM_001329946.2); c.4192C>T, p.Gln1398Ter (NM_014749.5); short protein forms Q1334*, Q1389*, Q1398*, Q1474*, Q1430*, Q1459*, Q1527*.
Identifiers: ClinVar variation 2034633 (VCV002034633.4), dbSNP rs1425019451, ClinGen allele CA390058227.
Genomic context (GRCh38, chr14:58,512,618, plus strand): 5'-GAACACAAACCATCACAAAGTTACCTACGTGTTAGAAATAAATCTGATATTGCACCTTCA[C>T]AGCAACAAGGTAAGACTTGTTTTTATGTAATAATACAATAGTTTGATACTTGTCTGAATA-3'